The following is an entry in ClinVar:

ClinVar aggregate classification (germline): Uncertain significance (1 of 4 stars; one submission).

gnomAD v4.1: 23 of 1,614,060 alleles (0.0014%); highest among the groups gnomAD compares: Non-Finnish European, 0.0019%; no homozygotes.

Submission:

Ambry Genetics
Classification: Uncertain significance. Last evaluated: 2023-11-13. Review status: criteria provided, single submitter. Criteria: Ambry Variant Classification Scheme 2023. Collection method: clinical testing. Allele origin: germline.
Comment: The p.A535V variant (also known as c.1604C>T), located in coding exon 3 of the ALPK2 gene, results from a C to T substitution at nucleotide position 1604. The alanine at codon 535 is replaced by valine, an amino acid with similar properties. This amino acid position is conserved. In addition, this alteration is predicted to be tolerated by in silico analysis. Since supporting evidence is limited at this time, the clinical significance of this alteration remains unclear.

NM_052947.4(ALPK2):c.1604C>T (p.Ala535Val)

Gene: ALPK2 (alpha kinase 2; minus strand). Cytogenetic location: 18q21.31.
Variant type: single nucleotide variant.
Coding change: c.1604C>T on transcript NM_052947.4 (MANE Select); coding-DNA position 1604, C replaced by T.
Protein change: p.Ala535Val; replaces alanine 535 with valine.
Molecular consequence: missense variant.
Genome position (GRCh38, 1-based): chr18:58,579,172, G>A on the plus strand (C>T on the coding strand, the complement: ALPK2 is on the minus strand). VCF-style: chr18-58579172-G-A. GRCh37 (hg19) VCF-style: chr18-56246404-G-A.
Other names: short protein forms A535V.
Identifiers: ClinVar variation 1776238 (VCV001776238.2), dbSNP rs770120575, ClinGen allele CA300927031.
Genomic context (GRCh38, chr18:58,579,172, plus strand): 5'-TCTCTCAGGTTGGCATTCGGCTTCTTGGGATTTCCCTTCATTCCCGGCTGCCTCACCCTG[G>A]CAGATTTCCTTGAACCCCTCTTGCTCCATAAGTCCTTTCCCCCCACTCTCTTGTCAGCTG-3'
Protein context (NP_443179.3, residues 525-545): LWSKRGSRKS[Ala535Val]RVRQPGMKGN